The following is an entry in ClinVar:

NM_001023.4(RPS20):c.107G>A (p.Cys36Tyr)

Gene: RPS20 (ribosomal protein S20; minus strand). Cytogenetic location: 8q12.1.
Variant type: single nucleotide variant.
Coding change: c.107G>A on transcript NM_001023.4 (MANE Select); coding-DNA position 107, G replaced by A.
Protein change: p.Cys36Tyr; replaces cysteine 36 with tyrosine.
Molecular consequence: missense variant.
Genome position (GRCh38, 1-based): chr8:56,073,765, C>T on the plus strand (G>A on the coding strand, the complement: RPS20 is on the minus strand). VCF-style: chr8-56073765-C-T. GRCh37 (hg19) VCF-style: chr8-56986324-C-T.
Other names: c.107G>A, p.Cys36Tyr (NM_001146227.3); short protein forms C36Y.
Identifiers: ClinVar variation 1786035 (VCV001786035.3), dbSNP rs2486984086, ClinGen allele CA371283636.

ClinVar aggregate classification (germline): Uncertain significance (1 of 4 stars; one submission).

Allele frequency attached by ClinVar (database versions not stated): gnomAD exomes below 0.00001.
gnomAD v4.1: 1 of 1,613,994 alleles (0.000062%); highest among the groups gnomAD compares: Non-Finnish European, 0.000085%; no homozygotes.

Submission:

Ambry Genetics
Classification: Uncertain significance. Last evaluated: 2024-08-07. Review status: criteria provided, single submitter. Criteria: Ambry Variant Classification Scheme 2023. Collection method: clinical testing. Allele origin: germline.
Comment: The p.C36Y variant (also known as c.107G>A), located in coding exon 3 of the RPS20 gene, results from a G to A substitution at nucleotide position 107. The cysteine at codon 36 is replaced by tyrosine, an amino acid with highly dissimilar properties. This amino acid position is conserved. In addition, this alteration is predicted to be deleterious by in silico analysis. Since supporting evidence is limited at this time, the clinical significance of this alteration remains unclear.